The following is an entry in ClinVar:

ClinVar aggregate classification (germline): Uncertain significance. Review status: criteria provided, multiple submitters, no conflicts (2 of 4 stars). 2 submissions from 2 submitters: Uncertain significance (2). Last evaluated 2025-09-01.

Conditions:
Inborn genetic diseases. Identifiers: MedGen C0950123, MeSH D030342.

gnomAD v4.1: 2 of 1,613,542 alleles (0.00012%); highest among the groups gnomAD compares: Non-Finnish European, 0.00017%; no homozygotes.

Submissions (2):

Ambry Genetics
Classification: Uncertain significance for Inborn genetic diseases. Last evaluated: 2025-09-01. Review status: criteria provided, single submitter. Criteria: Ambry Variant Classification Scheme 2023. Collection method: clinical testing. Allele origin: germline.

Labcorp Genetics (formerly Invitae), Labcorp
Classification: Uncertain significance. Last evaluated: 2025-01-30. Review status: criteria provided, single submitter. Criteria: Invitae Variant Classification Sherloc (09022015). Collection method: clinical testing. Allele origin: germline.
Comment: This sequence change replaces aspartic acid, which is acidic and polar, with asparagine, which is neutral and polar, at codon 162 of the AHDC1 protein (p.Asp162Asn). This variant is present in population databases (rs369860059, gnomAD 0.003%). This variant has not been reported in the literature in individuals affected with AHDC1-related conditions. An algorithm developed to predict the effect of missense changes on protein structure and function (PolyPhen-2) suggests that this variant is likely to be disruptive. In summary, the available evidence is currently insufficient to determine the role of this variant in disease. Therefore, it has been classified as a Variant of Uncertain Significance.

NM_001371928.1(AHDC1):c.484G>A (p.Asp162Asn)

Gene: AHDC1 (AT-hook DNA binding motif containing 1; minus strand). Cytogenetic location: 1p36.11.
Variant type: single nucleotide variant.
Coding change: c.484G>A on transcript NM_001371928.1 (MANE Select); coding-DNA position 484, G replaced by A.
Protein change: p.Asp162Asn; replaces aspartic acid 162 with asparagine.
Molecular consequence: missense variant.
Genome position (GRCh38, 1-based): chr1:27,551,632, C>T on the plus strand (G>A on the coding strand, the complement: AHDC1 is on the minus strand). VCF-style: chr1-27551632-C-T. GRCh37 (hg19) VCF-style: chr1-27878143-C-T.
Other names: c.484G>A (NM_001029882.2); c.484G>A, p.Asp162Asn (NM_001029882.3); short protein forms D162N.
Identifiers: ClinVar variation 3680310 (VCV003680310.3).
Genomic context (GRCh38, chr1:27,551,632, plus strand): 5'-CCTCAGGGCTACGGATGCTGTTGGCCAAACTGGGTGAGGAGAAGAAGCTGTACTGTAGGT[C>T]GCCGGGTGGCGGTGCAGGCGGGCGGCTCAGTCGGAGCCCACCACAGTCCAGGTGTACACC-3'
Protein context (NP_001358857.1, residues 152-172): LSRPPAPPPG[Asp162Asn]LQYSFFSSPS